The following is an entry in ClinVar:

NM_006164.5(NFE2L2):c.1301C>G (p.Pro434Arg)

Gene: NFE2L2 (NFE2 like bZIP transcription factor 2; minus strand). Cytogenetic location: 2q31.2.
Variant type: single nucleotide variant.
Coding change: c.1301C>G on transcript NM_006164.5 (MANE Select); coding-DNA position 1301, C replaced by G.
Protein change: p.Pro434Arg; replaces proline 434 with arginine.
Molecular consequence: missense variant.
Genome position (GRCh38, 1-based): chr2:177,231,302, G>C on the plus strand (C>G on the coding strand, the complement: NFE2L2 is on the minus strand). VCF-style: chr2-177231302-G-C. GRCh37 (hg19) VCF-style: chr2-178096030-G-C.
Other names: c.1301C>G (NM_006164.3); c.1253C>G, p.Pro418Arg (NM_001145412.3, NM_001313900.1, NM_001313901.1); c.1232C>G, p.Pro411Arg (NM_001145413.3); c.1211C>G, p.Pro404Arg (NM_001313902.2); c.1082C>G, p.Pro361Arg (NM_001313903.2); c.1001C>G, p.Pro334Arg (NM_001313904.1); short protein forms P334R, P404R, P434R, P411R, P418R, P361R.
Identifiers: ClinVar variation 2794459 (VCV002794459.4), dbSNP rs370645106, ClinGen allele CA1979707.
Genomic context (GRCh38, chr2:177,231,302, plus strand): 5'-AGATGAGCCTCCAAGCGGCTTGAATGTTTGTCTTTTGTGAATGGGGTTTTCCGATGACCA[G>C]GACTTACAGGCAATTCTTTCTCTGGTGTGTTCTCACATTGGGCATCATGCACGTGAGTGC-3'
Protein context (NP_006155.2, residues 424-444): NTPEKELPVS[Pro434Arg]GHRKTPFTKD

ClinVar aggregate classification (germline): Uncertain significance. Review status: criteria provided, multiple submitters, no conflicts (2 of 4 stars). 2 submissions from 2 submitters: Uncertain significance (2). Last evaluated 2025-06-16.

Allele frequency attached by ClinVar (database versions not stated): gnomAD exomes below 0.00001; ExAC 0.00001; TOPMed 0.00002; gnomAD 0.00003; ESP Exome Variant Server 0.00008.
gnomAD v4.1: 9 of 1,614,144 alleles (0.00056%); highest among the groups gnomAD compares: African/African-American, 0.011%; no homozygotes.

Submissions (2):

Ambry Genetics
Classification: Uncertain significance. Last evaluated: 2025-06-16. Review status: criteria provided, single submitter. Criteria: Ambry Variant Classification Scheme 2023. Collection method: clinical testing. Allele origin: germline.

Labcorp Genetics (formerly Invitae), Labcorp
Classification: Uncertain significance. Last evaluated: 2024-01-02. Review status: criteria provided, single submitter. Criteria: Invitae Variant Classification Sherloc (09022015). Collection method: clinical testing. Allele origin: germline.
Comment: This sequence change replaces proline, which is neutral and non-polar, with arginine, which is basic and polar, at codon 434 of the NFE2L2 protein (p.Pro434Arg). This variant is present in population databases (rs370645106, gnomAD 0.007%). This variant has not been reported in the literature in individuals affected with NFE2L2-related conditions. Advanced modeling of protein sequence and biophysical properties (such as structural, functional, and spatial information, amino acid conservation, physicochemical variation, residue mobility, and thermodynamic stability) has been performed at Invitae for this missense variant, however the output from this modeling did not meet the statistical confidence thresholds required to predict the impact of this variant on NFE2L2 protein function. In summary, the available evidence is currently insufficient to determine the role of this variant in disease. Therefore, it has been classified as a Variant of Uncertain Significance.